The following is an entry in ClinVar:

ClinVar aggregate classification (germline): Likely pathogenic. Review status: reviewed by expert panel (3 of 4 stars). 4 submissions from 4 submitters: Likely pathogenic (1). 3 of the submissions do not count toward it. Last evaluated 2026-02-02.

Conditions:
Neuromuscular disease caused by qualitative or quantitative defects of dysferlin. Also called: Qualitative or quantitative defects of dysferlin; Dysferlinopathy. Identifiers: Orphanet 207073, MedGen C2931687, MONDO:0016145.
Autosomal recessive limb-girdle muscular dystrophy type 2B (LGMDR2). Also called: Limb-girdle muscular dystrophy, type 2B; MUSCULAR DYSTROPHY, LIMB-GIRDLE, AUTOSOMAL RECESSIVE 2; MUSCULAR DYSTROPHY, LIMB-GIRDLE, TYPE 3; Limb-Girdle Muscular Dystrophy Type 2B (LGMD2B). Identifiers: Orphanet 268, MedGen C1850889, MONDO:0009676, OMIM 253601.
Autosomal recessive limb-girdle muscular dystrophy. Identifiers: Orphanet 102015, MedGen C2931907, MONDO:0015152.

Submissions (4):

ClinGen Limb Girdle Muscular Dystrophy Variant Curation Expert Panel, ClinGen
Classification: Likely pathogenic for Autosomal recessive limb-girdle muscular dystrophy. Last evaluated: 2026-02-02. Review status: reviewed by expert panel. Criteria: ClinGen LGMD VCEP ACMG Specifications DYSF V2.0.0. Collection method: curation. Allele origin: germline. Inheritance: Autosomal recessive inheritance.
Comment: The NM_003494.4: c.5804C>T variant in DYSF, which is also known as NM_001130987.2: c.5921C>T p.(Pro1974Leu), is a missense variant predicted to cause substitution of proline by leucine at amino acid 1935, p.(Pro1935Leu). This variant has been reported in five unrelated individuals with LGMD (PMID: 26060040, 31693312, ClinVar SCV001164497.1, GRASP-LGMD Consortium internal data communication), including with a pathogenic variant (NM_003494.4: c.4705C>T p.(Gln1569Ter)) in two individuals, one in a confirmed trans phase (1.0 pt, ClinVar SCV001164497.1 internal data communication) and the second in unconfirmed phase (0.5 pts, GRASP-LGMD Consortium internal data communication). It has been reported with a second pathogenic variant in unknown phase in an additional patient as well (NM_003494.4: c.937+1G>A, 0.5 pts, PMID: 26060040). This variant has also been reported in a homozygous state in three affected individuals from a family with known consanguinity and in an additional individual with likely familial consanguinity (0.25 pts each, PMID: 36983702, 36374152) (PM3_Strong, PP1_Moderate). At least one patient with two presumed diagnostic variants displayed muscle weakness and either decreased or absent dysferlin expression, , but the extent of the reduction in this individual is unclear (PMID: 26060040, PP4). This variant is absent from gnomAD v4.1.0 (PM2_Supporting). The computational predictor REVEL gives a score of 0.51 (PP3 and BP4 not met). In summary, this variant meets the criteria to be classified as Likely Pathogenic for autosomal recessive limb girdle muscular dystrophy based on the ACMG/AMP criteria applied, as specified by the ClinGen LGMD VCEP (specifications v2.0.0; 01/23/2026): PP4, PM2_Supporting, PM3_Strong, PP1_Moderate.

Labcorp Genetics (formerly Invitae), Labcorp
Classification: Pathogenic for Neuromuscular disease caused by qualitative or quantitative defects of dysferlin. Last evaluated: 2025-08-21. Review status: criteria provided, single submitter. Criteria: Invitae Variant Classification Sherloc (09022015). Collection method: clinical testing. Allele origin: germline. Not counted in ClinVar's aggregate classification.
Comment: This sequence change replaces proline, which is neutral and non-polar, with leucine, which is neutral and non-polar, at codon 1935 of the DYSF protein (p.Pro1935Leu). This variant is not present in population databases (gnomAD no frequency). This missense change has been observed in individual(s) with clinical features of limb-girdle muscular dystrophy (PMID: 26060040, 36374152; internal data). ClinVar contains an entry for this variant (Variation ID: 813969). Invitae Evidence Modeling of protein sequence and biophysical properties (such as structural, functional, and spatial information, amino acid conservation, physicochemical variation, residue mobility, and thermodynamic stability) indicates that this missense variant is expected to disrupt DYSF protein function with a positive predictive value of 95%. For these reasons, this variant has been classified as Pathogenic.

Kariminejad - Najmabadi Pathology & Genetics Center
Classification: Uncertain significance for Autosomal recessive limb-girdle muscular dystrophy type 2B. Last evaluated: 2023-08-15. Review status: criteria provided, single submitter. Criteria: ACMG Guidelines, 2015. Collection method: clinical testing. Allele origin: germline. Inheritance: Autosomal recessive inheritance. Affected: yes. Not counted in ClinVar's aggregate classification.
Comment: PM2,PP3,PM3

Broad Center for Mendelian Genomics, Broad Institute of MIT and Harvard
Classification: Uncertain significance for Autosomal recessive limb-girdle muscular dystrophy type 2B. Last evaluated: 2018-12-03. Review status: criteria provided, single submitter. Criteria: ACMG Guidelines, 2015. Collection method: research. Allele origin: germline. Inheritance: Autosomal recessive inheritance. Affected: yes. Not counted in ClinVar's aggregate classification.
Comment: The presence of this variant in combination with a likely pathogenic variant and in an individual with LGMD increases the likelihood that the p.Pro1974Leu variant is pathogenic. This variant was absent from large population studies. Computational prediction tools and conservation analyses do not provide strong support for or against an impact to the protein. In summary, the clinical significance of p.Pro1974Leu is uncertain. ACMG/AMP Criteria applied: PM2, PM3_Supporting (Richards 2015).

Literature cited by the submitters: PubMed 26060040 (cited by Labcorp Genetics (formerly Invitae), Labcorp); PubMed 36374152 (cited by Labcorp Genetics (formerly Invitae), Labcorp).

NM_001130987.2(DYSF):c.5921C>T (p.Pro1974Leu)

Gene: DYSF (dysferlin; plus strand). Cytogenetic location: 2p13.2.
Variant type: single nucleotide variant.
Coding change: c.5921C>T on transcript NM_001130987.2 (MANE Select); coding-DNA position 5921, C replaced by T.
Protein change: p.Pro1974Leu; replaces proline 1974 with leucine.
Molecular consequence: missense variant.
Genome position (GRCh38, 1-based): chr2:71,679,093, C>T. VCF-style: chr2-71679093-C-T. GRCh37 (hg19) VCF-style: chr2-71906223-C-T.
Other names: NM_001130987.2(DYSF):c.5921C>T; c.5807C>T, p.Pro1936Leu (NM_001130455.2); c.5762C>T, p.Pro1921Leu (NM_001130976.2); c.5825C>T, p.Pro1942Leu (NM_001130977.2); c.5867C>T, p.Pro1956Leu (NM_001130978.2); c.5897C>T, p.Pro1966Leu (NM_001130979.2); c.5855C>T, p.Pro1952Leu (NM_001130980.2); c.5918C>T, p.Pro1973Leu (NM_001130981.2); and 6 more; short protein forms P1956L, P1936L, P1942L, P1952L, P1953L, P1922L, P1935L, P1957L.
Identifiers: ClinVar variation 813969 (VCV000813969.6), dbSNP rs1573176526, ClinGen allele CA347226288.
Genomic context (GRCh38, chr2:71,679,093, plus strand): 5'-CCAAAAACTACCTCTCTGTTGCAGGCTCCCTGCAGCTCGATCTCAACCGCATGCCCAAGC[C>T]AGCCAAGACAGCCAAGAAGTGCTCCTTGGACCAGCTGGATGATGCTTTCCACCCAGAATG-3'
Protein context (NP_001124459.1, residues 1964-1984): LQLDLNRMPK[Pro1974Leu]AKTAKKCSLD